The following is an entry in ClinVar:

ClinVar aggregate classification (germline): Uncertain significance. Review status: criteria provided, multiple submitters, no conflicts (2 of 4 stars). 2 submissions from 2 submitters: Uncertain significance (2). Last evaluated 2023-12-18.

Conditions:
Inborn genetic diseases. Identifiers: MedGen C0950123, MeSH D030342.

Allele frequency attached by ClinVar (database versions not stated): TOPMed 0.00003; gnomAD 0.00004 and 0.00003; gnomAD exomes 0.00004 and 0.00001; ExAC 0.00005.

Submissions (2):

Ambry Genetics
Classification: Uncertain significance for Inborn genetic diseases. Last evaluated: 2023-12-18. Review status: criteria provided, single submitter. Criteria: Ambry Variant Classification Scheme 2023. Collection method: clinical testing. Allele origin: germline.

Labcorp Genetics (formerly Invitae), Labcorp
Classification: Uncertain significance. Last evaluated: 2023-10-17. Review status: criteria provided, single submitter. Criteria: Invitae Variant Classification Sherloc (09022015). Collection method: clinical testing. Allele origin: germline.
Comment: This sequence change replaces valine, which is neutral and non-polar, with alanine, which is neutral and non-polar, at codon 81 of the PEX11B protein (p.Val81Ala). This variant is present in population databases (rs782013516, gnomAD 0.08%). This variant has not been reported in the literature in individuals affected with PEX11B-related conditions. ClinVar contains an entry for this variant (Variation ID: 1051627). An algorithm developed to predict the effect of missense changes on protein structure and function (PolyPhen-2) suggests that this variant is likely to be disruptive. In summary, the available evidence is currently insufficient to determine the role of this variant in disease. Therefore, it has been classified as a Variant of Uncertain Significance.

NM_003846.3(PEX11B):c.242T>C (p.Val81Ala)

Gene: PEX11B (peroxisomal biogenesis factor 11 beta; minus strand). Cytogenetic location: 1q21.1.
Variant type: single nucleotide variant.
Coding change: c.242T>C on transcript NM_003846.3 (MANE Select); coding-DNA position 242, T replaced by C.
Protein change: p.Val81Ala; replaces valine 81 with alanine.
Molecular consequence: missense variant. On other transcripts: non-coding transcript variant (3).
Genome position (GRCh38, 1-based): chr1:145,916,949, A>G on the plus strand (T>C on the coding strand, the complement: PEX11B is on the minus strand). VCF-style: chr1-145916949-A-G. GRCh37 (hg19) VCF-style: chr1-145518140-T-C.
Other names: c.200T>C, p.Val67Ala (NM_001184795.1); c.242T>C (NM_003846.2); short protein forms V67A, V81A.
Identifiers: ClinVar variation 1051627 (VCV001051627.8), dbSNP rs782013516, ClinGen allele CA1055554.